The following is an entry in ClinVar:

ClinVar aggregate classification (germline): Benign (1 of 4 stars; one submission).

gnomAD v4.1: 1,071 of 152,158 alleles (0.7%); highest among the groups gnomAD compares: Non-Finnish European, 1.2%; 5 homozygotes.

Submission:

CeGaT Center for Human Genetics Tuebingen
Classification: Benign. Last evaluated: 2026-09-01. Review status: criteria provided, single submitter. Criteria: CeGaT Center For Human Genetics Tuebingen Variant Classification Criteria Version 2. Collection method: clinical testing. Allele origin: germline. Affected: yes. Observed: 14 variant alleles.
Comment: GINS1: BS1, BS2

NM_021067.5(GINS1):c.447+1901G>A

Gene: GINS1 (GINS complex subunit 1; plus strand). Cytogenetic location: 20p11.21.
Variant type: single nucleotide variant.
Coding change: c.447+1901G>A on transcript NM_021067.5 (MANE Select); 1901 bases into the intron after coding-DNA position 447, G replaced by A.
Molecular consequence: intron variant.
Genome position (GRCh38, 1-based): chr20:25,427,228, G>A. VCF-style: chr20-25427228-G-A. GRCh37 (hg19) VCF-style: chr20-25407864-G-A.
Other names: c.330+9033G>A (NM_001410830.1); c.192+1901G>A (NM_001410831.1).
Identifiers: ClinVar variation 3257284 (VCV003257284.17).